The following is an entry in ClinVar:

NM_002691.4(POLD1):c.1792A>G (p.Ile598Val)

Gene: POLD1 (DNA polymerase delta 1, catalytic subunit; plus strand). Cytogenetic location: 19q13.33.
Variant type: single nucleotide variant.
Coding change: c.1792A>G on transcript NM_002691.4 (MANE Select); coding-DNA position 1792, A replaced by G.
Protein change: p.Ile598Val; replaces isoleucine 598 with valine.
Molecular consequence: missense variant. On other transcripts: non-coding transcript variant (1).
Genome position (GRCh38, 1-based): chr19:50,408,801, A>G. VCF-style: chr19-50408801-A-G. GRCh37 (hg19) VCF-style: chr19-50912058-A-G.
Other names: c.1792A>G, p.Ile598Val (NM_001256849.1); c.1870A>G, p.Ile624Val (NM_001308632.1); short protein forms I598V, I624V.
Identifiers: ClinVar variation 469221 (VCV000469221.8), dbSNP rs368349780, ClinGen allele CA309602008.

ClinVar aggregate classification (germline): Uncertain significance (1 of 4 stars; one submission).

Conditions:
POLD1-related polyposis and colorectal cancer syndrome (CRCS10). Also called: Colorectal cancer 10; COLORECTAL CANCER, SUSCEPTIBILITY TO, ON CHROMOSOME 19q; Colorectal cancer, susceptibility to, 10. Identifiers: Orphanet 220460, MedGen C2675481, MONDO:0012953, OMIM 612591.

Allele frequency attached by ClinVar (database versions not stated): gnomAD exomes below 0.00001; ESP Exome Variant Server 0.00008.
gnomAD v4.1: 4 of 1,613,730 alleles (0.00025%); highest among the groups gnomAD compares: South Asian, 0.0011%; no homozygotes.

Submission:

Labcorp Genetics (formerly Invitae), Labcorp
Classification: Uncertain significance for POLD1-related polyposis and colorectal cancer syndrome. Last evaluated: 2022-10-03. Review status: criteria provided, single submitter. Criteria: Invitae Variant Classification Sherloc (09022015). Collection method: clinical testing. Allele origin: germline.
Comment: In summary, the available evidence is currently insufficient to determine the role of this variant in disease. Therefore, it has been classified as a Variant of Uncertain Significance. Advanced modeling of protein sequence and biophysical properties (such as structural, functional, and spatial information, amino acid conservation, physicochemical variation, residue mobility, and thermodynamic stability) performed at Invitae indicates that this missense variant is not expected to disrupt POLD1 protein function. ClinVar contains an entry for this variant (Variation ID: 469221). This variant has not been reported in the literature in individuals affected with POLD1-related conditions. This variant is not present in population databases (gnomAD no frequency). This sequence change replaces isoleucine, which is neutral and non-polar, with valine, which is neutral and non-polar, at codon 598 of the POLD1 protein (p.Ile598Val).